The following is an entry in ClinVar:

NM_001244008.2(KIF1A):c.878A>G (p.Asn293Ser)

Gene: KIF1A (kinesin family member 1A; minus strand). Cytogenetic location: 2q37.3.
Variant type: single nucleotide variant.
Coding change: c.878A>G on transcript NM_001244008.2 (MANE Select); coding-DNA position 878, A replaced by G.
Protein change: p.Asn293Ser; replaces asparagine 293 with serine.
Molecular consequence: missense variant.
Genome position (GRCh38, 1-based): chr2:240,782,594, T>C on the plus strand (A>G on the coding strand, the complement: KIF1A is on the minus strand). VCF-style: chr2-240782594-T-C. GRCh37 (hg19) VCF-style: chr2-241722011-T-C.
Other names: c.878A>G, p.Asn293Ser (NM_001320705.2, NM_001330289.2, NM_001330290.2 and 20 more transcripts); short protein forms N293S.
Identifiers: ClinVar variation 1023298 (VCV001023298.32), dbSNP rs747127041, ClinGen allele CA2208613.

ClinVar aggregate classification (germline): Uncertain significance. Review status: criteria provided, multiple submitters, no conflicts (2 of 4 stars). 3 submissions from 3 submitters: Uncertain significance (3). Last evaluated 2026-01-27.

Conditions:
Hereditary spastic paraplegia 30. Identifiers: Orphanet 101010, MedGen C5235139, MONDO:0012476.
Neuropathy, hereditary sensory, type 2C. Also called: Hereditary sensory and autonomic neuropathy type IIC; KIF1A-Related HSAN2 (HSAN2C). Identifiers: Orphanet 970, MedGen C3280168, MONDO:0013634, OMIM 614213.
Intellectual disability, autosomal dominant 9 (NESCAVS). Also called: KIF1A-Related Neurodevelopmental Disorder; NESCAV SYNDROME. Identifiers: Orphanet 662367, MedGen C5393830, MONDO:0013656, OMIM 614255.

Allele frequency attached by ClinVar (database versions not stated): gnomAD 0.00001; gnomAD exomes 0.00001; TOPMed 0.00001; ExAC 0.00005.
gnomAD v4.1: 10 of 1,552,382 alleles (0.00064%); highest among the groups gnomAD compares: Middle Eastern, 0.017%; no homozygotes.

Submissions (3):

Labcorp Genetics (formerly Invitae), Labcorp
Classification: Uncertain significance for Hereditary spastic paraplegia 30; Neuropathy, hereditary sensory, type 2C; Intellectual disability, autosomal dominant 9. Last evaluated: 2026-01-27. Review status: criteria provided, single submitter. Criteria: Invitae Variant Classification Sherloc (09022015). Collection method: clinical testing. Allele origin: germline.
Comment: This sequence change replaces asparagine, which is neutral and polar, with serine, which is neutral and polar, at codon 293 of the KIF1A protein (p.Asn293Ser). The frequency data for this variant in the population databases is considered unreliable, as metrics indicate poor data quality at this position in the gnomAD database. This variant has not been reported in the literature in individuals affected with KIF1A-related conditions. ClinVar contains an entry for this variant (Variation ID: 1023298). Invitae Evidence Modeling of protein sequence and biophysical properties (such as structural, functional, and spatial information, amino acid conservation, physicochemical variation, residue mobility, and thermodynamic stability) indicates that this missense variant is expected to disrupt KIF1A protein function with a positive predictive value of 95%. In summary, the available evidence is currently insufficient to determine the role of this variant in disease. Therefore, it has been classified as a Variant of Uncertain Significance.

Blueprint Genetics
Classification: Uncertain significance. Last evaluated: 2024-10-30. Review status: criteria provided, single submitter. Criteria: ACMG Guidelines, 2015. Collection method: clinical testing. Allele origin: germline.

CeGaT Center for Human Genetics Tuebingen
Classification: Uncertain significance. Last evaluated: 2023-02-01. Review status: criteria provided, single submitter. Criteria: CeGaT Center For Human Genetics Tuebingen Variant Classification Criteria Version 2. Collection method: clinical testing. Allele origin: germline. Affected: yes. Observed: 1 variant allele.
Comment: KIF1A: PP2